The following is an entry in ClinVar:

NM_003922.4(HERC1):c.8484C>T (p.Pro2828=)

Gene: HERC1 (HECT and RLD domain containing E3 ubiquitin protein ligase family member 1; minus strand). Cytogenetic location: 15q22.31.
Variant type: single nucleotide variant.
Coding change: c.8484C>T on transcript NM_003922.4 (MANE Select); coding-DNA position 8484, C replaced by T.
Protein change: p.Pro2828=; no amino-acid change (proline 2828 retained).
Molecular consequence: synonymous variant.
Genome position (GRCh38, 1-based): chr15:63,665,990, G>A on the plus strand (C>T on the coding strand, the complement: HERC1 is on the minus strand). VCF-style: chr15-63665990-G-A. GRCh37 (hg19) VCF-style: chr15-63958189-G-A.
Identifiers: ClinVar variation 3026642 (VCV003026642.22), dbSNP rs775110758, ClinGen allele CA7604926.

ClinVar aggregate classification (germline): Likely benign (1 of 4 stars; one submission).

Allele frequency attached by ClinVar (database versions not stated): gnomAD exomes below 0.00001; ExAC 0.00001.
gnomAD v4.1: 2 of 1,614,016 alleles (0.00012%); highest among the groups gnomAD compares: Non-Finnish European, 0.000085%; no homozygotes.

Submission:

CeGaT Center for Human Genetics Tuebingen
Classification: Likely benign. Last evaluated: 2023-12-01. Review status: criteria provided, single submitter. Criteria: CeGaT Center For Human Genetics Tuebingen Variant Classification Criteria Version 2. Collection method: clinical testing. Allele origin: germline. Affected: yes. Observed: 1 variant allele.
Comment: HERC1: BP4, BP7